The following is an entry in ClinVar:

NM_012469.4(PRPF6):c.1596T>G (p.Ile532Met)

Genes: PRPF6 (pre-mRNA processing factor 6; plus strand), LOC126863090 (P300/CBP strongly-dependent group 1 enhancer GRCh37_chr20:62648052-62649251; plus strand). Cytogenetic location: 20q13.33.
Variant type: single nucleotide variant.
Coding change: c.1596T>G on transcript NM_012469.4 (MANE Select); coding-DNA position 1596, T replaced by G.
Protein change: p.Ile532Met; replaces isoleucine 532 with methionine.
Molecular consequence: missense variant.
Genome position (GRCh38, 1-based): chr20:64,016,794, T>G. VCF-style: chr20-64016794-T-G. GRCh37 (hg19) VCF-style: chr20-62648147-T-G.
Other names: short protein forms I532M.
Identifiers: ClinVar variation 1366412 (VCV001366412.8), dbSNP rs778654378, ClinGen allele CA409729766.
Genomic context (GRCh38, chr20:64,016,794, plus strand): 5'-ATGTGACAGGGCTGGGAGTGTGGCCACCTGCCAGGCCGTCATGCGTGCCGTGATTGGGAT[T>G]GGGATTGAGGAGGAAGATCGGAAGCATACCTGGATGGAGGATGCTGACAGTGTGAGTTGG-3'
Protein context (NP_036601.2, residues 522-542): CQAVMRAVIG[Ile532Met]GIEEEDRKHT

ClinVar aggregate classification (germline): Uncertain significance (1 of 4 stars; one submission).

Submission:

Labcorp Genetics (formerly Invitae), Labcorp
Classification: Uncertain significance. Last evaluated: 2022-11-01. Review status: criteria provided, single submitter. Criteria: Invitae Variant Classification Sherloc (09022015). Collection method: clinical testing. Allele origin: germline.
Comment: ClinVar contains an entry for this variant (Variation ID: 1366412). Advanced modeling of protein sequence and biophysical properties (such as structural, functional, and spatial information, amino acid conservation, physicochemical variation, residue mobility, and thermodynamic stability) performed at Invitae indicates that this missense variant is not expected to disrupt PRPF6 protein function. In summary, the available evidence is currently insufficient to determine the role of this variant in disease. Therefore, it has been classified as a Variant of Uncertain Significance. This variant has not been reported in the literature in individuals affected with PRPF6-related conditions. This sequence change replaces isoleucine, which is neutral and non-polar, with methionine, which is neutral and non-polar, at codon 532 of the PRPF6 protein (p.Ile532Met). This variant is not present in population databases (gnomAD no frequency).